The following is an entry in ClinVar:

NM_002529.4(NTRK1):c.1582G>T (p.Glu528Ter)

Gene: NTRK1 (neurotrophic receptor tyrosine kinase 1; plus strand). Cytogenetic location: 1q23.1.
Variant type: single nucleotide variant.
Coding change: c.1582G>T on transcript NM_002529.4 (MANE Select); coding-DNA position 1582, G replaced by T.
Protein change: p.Glu528Ter; replaces glutamic acid 528 with a stop codon.
Molecular consequence: nonsense.
Genome position (GRCh38, 1-based): chr1:156,876,160, G>T. VCF-style: chr1-156876160-G-T. GRCh37 (hg19) VCF-style: chr1-156845952-G-T.
Other names: c.1474G>T, p.Glu492Ter (NM_001007792.1); c.1564G>T, p.Glu522Ter (NM_001012331.2); short protein forms E492*, E522*, E528*.
Identifiers: ClinVar variation 4814507 (VCV004814507.1).
Genomic context (GRCh38, chr1:156,876,160, plus strand): 5'-CGGGACATCGTGCTCAAGTGGGAGCTGGGGGAGGGCGCCTTTGGGAAGGTCTTCCTTGCT[G>T]AGTGCCACAACCTCCTGCCTGAGCAGGACAAGATGCTGGTGGCTGTCAAGGTGAGACCCT-3'

ClinVar aggregate classification (germline): Likely pathogenic (1 of 4 stars; one submission).

Conditions:
Hereditary insensitivity to pain with anhidrosis (CIPA). Also called: INSENSITIVITY TO PAIN, CONGENITAL, WITH ANHIDROSIS; hereditary sensory and autonomic neuropathy type 4; FAMILIAL DYSAUTONOMIA, TYPE II; NEUROPATHY, CONGENITAL SENSORY, WITH ANHIDROSIS; NTRK1 Congenital Insensitivity to Pain with Anhidrosis; HSAN Type IV. Identifiers: Orphanet 642, MedGen C0020074, MONDO:0009746, OMIM 256800.

gnomAD v4.1: 1 of 1,614,182 alleles (0.000062%); highest among the groups gnomAD compares: Non-Finnish European, 0.000085%; no homozygotes.

Submission:

Natera, Inc.
Classification: Likely pathogenic for Hereditary insensitivity to pain with anhidrosis. Last evaluated: 2025-12-30. Review status: criteria provided, single submitter. Criteria: Natera Variant Classification Schema (03/2026). Collection method: clinical testing. Allele origin: germline.
Comment: The c.1564G>T variant in NTRK1 is a nonsense variant predicted to introduce a stop codon at amino acid 522. This variant is expected to result in nonsense mediated decay, truncation, or a dysfunctional protein product. This variant is rare in the general population with a frequency below the threshold expected for the associated phenotype(s). Given the available evidence, this variant is classified as Likely Pathogenic.